The following is an entry in ClinVar:

ClinVar aggregate classification (germline): Uncertain significance (1 of 4 stars; one submission).

Submission:

GeneDx
Classification: Uncertain significance. Last evaluated: 2024-11-03. Review status: criteria provided, single submitter. Criteria: GeneDx Variant Classification Process June 2021. Collection method: clinical testing. Allele origin: germline. Affected: yes.
Comment: Not observed at significant frequency in large population cohorts (gnomAD); In silico analysis supports that this missense variant has a deleterious effect on protein structure/function; Has not been previously published as pathogenic or benign to our knowledge; Variants in candidate genes are classified as variants of uncertain significance in accordance with ACMG guidelines (PMID: 25741868)

NM_012433.4(SF3B1):c.3183G>C (p.Glu1061Asp)

Gene: SF3B1 (splicing factor 3b subunit 1; minus strand). Cytogenetic location: 2q33.1.
Variant type: single nucleotide variant.
Coding change: c.3183G>C on transcript NM_012433.4 (MANE Select); coding-DNA position 3183, G replaced by C.
Protein change: p.Glu1061Asp; replaces glutamic acid 1061 with aspartic acid.
Molecular consequence: missense variant.
Genome position (GRCh38, 1-based): chr2:197,398,068, C>G on the plus strand (G>C on the coding strand, the complement: SF3B1 is on the minus strand). VCF-style: chr2-197398068-C-G. GRCh37 (hg19) VCF-style: chr2-198262792-C-G.
Other names: short protein forms E1061D.
Identifiers: ClinVar variation 4755771 (VCV004755771.1).